The following is an entry in ClinVar:

NM_000443.4(ABCB4):c.370G>A (p.Gly124Ser)

Gene: ABCB4 (ATP binding cassette subfamily B member 4; minus strand). Cytogenetic location: 7q21.12.
Variant type: single nucleotide variant.
Coding change: c.370G>A on transcript NM_000443.4 (MANE Select); coding-DNA position 370, G replaced by A.
Protein change: p.Gly124Ser; replaces glycine 124 with serine.
Molecular consequence: missense variant.
Genome position (GRCh38, 1-based): chr7:87,453,110, C>T on the plus strand (G>A on the coding strand, the complement: ABCB4 is on the minus strand). VCF-style: chr7-87453110-C-T. GRCh37 (hg19) VCF-style: chr7-87082426-C-T.
Other names: c.370G>A, p.Gly124Ser (NM_018849.3, NM_018850.3); short protein forms G124S.
Identifiers: ClinVar variation 3665216 (VCV003665216.4).

ClinVar aggregate classification (germline): Uncertain significance. Review status: criteria provided, multiple submitters, no conflicts (2 of 4 stars). 3 submissions from 3 submitters: Uncertain significance (3). Last evaluated 2026-04-14.

Conditions:
Low phospholipid associated cholelithiasis (GBD1). Also called: Gallstone cholecystitis; Gallbladder disease 1. Identifiers: Orphanet 69663, MedGen C2609268, MONDO:0010939, OMIM 600803.

Submissions (3):

Genomenon, Inc
Classification: Uncertain significance for Low phospholipid associated cholelithiasis. Last evaluated: 2026-04-14. Review status: criteria provided, single submitter. Criteria: Genomenon Sequence Variant Interpretation Standards - Updated. Collection method: curation. Allele origin: germline. Affected: yes.
Comment: ABCB4 p.Gly124Ser (c.370G>A) is a missense variant that changes the amino acid at residue 124 from Glycine to Serine. This variant has been observed in at least one proband with an ABCB4-related disorder (PMID:23533021). It is absent or not present at a significant frequency in gnomAD. In silico models predict that this variant is possibly or probably damaging. In conclusion, we classify ABCB4 p.Gly124Ser (c.370G>A) as a variant of uncertain significance.

Labcorp Genetics (formerly Invitae), Labcorp
Classification: Uncertain significance. Last evaluated: 2025-11-24. Review status: criteria provided, single submitter. Criteria: Invitae Variant Classification Sherloc (09022015). Collection method: clinical testing. Allele origin: germline.
Comment: This sequence change replaces glycine, which is neutral and non-polar, with serine, which is neutral and polar, at codon 124 of the ABCB4 protein (p.Gly124Ser). This variant is not present in population databases (gnomAD no frequency). This missense change has been observed in individual(s) with low-phospholipid-associated cholelithiasis syndrome (PMID: 23533021). ClinVar contains an entry for this variant (Variation ID: 3665216). Invitae Evidence Modeling of protein sequence and biophysical properties (such as structural, functional, and spatial information, amino acid conservation, physicochemical variation, residue mobility, and thermodynamic stability) indicates that this missense variant is not expected to disrupt ABCB4 protein function with a negative predictive value of 80%. In summary, the available evidence is currently insufficient to determine the role of this variant in disease. Therefore, it has been classified as a Variant of Uncertain Significance.

Women's Health and Genetics/Laboratory Corporation of America, LabCorp
Classification: Uncertain significance. Last evaluated: 2025-06-23. Review status: criteria provided, single submitter. Criteria: LabCorp Variant Classification Summary - May 2015. Collection method: clinical testing. Allele origin: germline.
Comment: Variant summary: ABCB4 c.370G>A (p.Gly124Ser) results in a non-conservative amino acid change in the encoded protein sequence. Algorithms developed to predict the effect of missense changes on protein structure and function all suggest that this variant is likely to be disruptive. The variant was absent in 251266 control chromosomes. The available data on variant occurrences in the general population are insufficient to allow any conclusion about variant significance. c.370G>A has been observed in the heterozygous state in at least 1 individual(s) affected with low-phospholipid-associated cholelithiasis syndrome (LPAC). These data do not allow any conclusion about variant significance. To our knowledge, no experimental evidence demonstrating an impact on protein function has been reported. The following publication has been ascertained in the context of this evaluation (PMID: 23533021). ClinVar contains an entry for this variant (Variation ID: 3665216). Based on the evidence outlined above, the variant was classified as uncertain significance.

Literature cited by the submitters: PubMed 23533021 (cited by 3 submitters).